The following is an entry in ClinVar:

NM_001042492.3(NF1):c.1945G>T (p.Glu649Ter)

Gene: NF1 (neurofibromin 1; plus strand). Cytogenetic location: 17q11.2.
Variant type: single nucleotide variant.
Coding change: c.1945G>T on transcript NM_001042492.3 (MANE Select); coding-DNA position 1945, G replaced by T.
Protein change: p.Glu649Ter; replaces glutamic acid 649 with a stop codon.
Molecular consequence: nonsense.
Genome position (GRCh38, 1-based): chr17:31,225,194, G>T. VCF-style: chr17-31225194-G-T. GRCh37 (hg19) VCF-style: chr17-29552212-G-T.
Other names: c.1945G>T, p.Glu649Ter (NM_000267.4); short protein forms E649*.
Identifiers: ClinVar variation 1418414 (VCV001418414.8), dbSNP rs2144027139, ClinGen allele CA399005457.

ClinVar aggregate classification (germline): Pathogenic (1 of 4 stars; one submission).

Conditions:
Neurofibromatosis, type 1 (NF1). Also called: Peripheral type neurofibromatosis; Neurofibromatosis, type I; VON RECKLINGHAUSEN DISEASE; NEUROFIBROMATOSIS, TYPE I, SOMATIC. Identifiers: Orphanet 636, MedGen C0027831, MONDO:0018975, OMIM 162200. Disease mechanism: loss of function.

Submission:

Labcorp Genetics (formerly Invitae), Labcorp
Classification: Pathogenic for Neurofibromatosis, type 1. Last evaluated: 2022-12-28. Review status: criteria provided, single submitter. Criteria: Invitae Variant Classification Sherloc (09022015). Collection method: clinical testing. Allele origin: germline.
Comment: For these reasons, this variant has been classified as Pathogenic. Algorithms developed to predict the effect of sequence changes on RNA splicing suggest that this variant may disrupt the consensus splice site. ClinVar contains an entry for this variant (Variation ID: 1418414). This premature translational stop signal has been observed in individual(s) with neurofibromatosis type 1 (PMID: 23913538). This variant is not present in population databases (gnomAD no frequency). This sequence change creates a premature translational stop signal (p.Glu649*) in the NF1 gene. It is expected to result in an absent or disrupted protein product. Loss-of-function variants in NF1 are known to be pathogenic (PMID: 10712197, 23913538).

Literature cited by the submitters: PubMed 23913538; PubMed 10712197.